The following is an entry in ClinVar:

ClinVar aggregate classification (germline): Likely benign. Review status: criteria provided, multiple submitters, no conflicts (2 of 4 stars). 2 submissions from 2 submitters: Likely benign (2). Last evaluated 2023-10-20.

Conditions:
Charcot-Marie-Tooth disease axonal type 2S. Also called: CHARCOT-MARIE-TOOTH NEUROPATHY, TYPE 2S; CHARCOT-MARIE-TOOTH DISEASE, AXONAL, AUTOSOMAL RECESSIVE, TYPE 2S. Identifiers: Orphanet 443073, MedGen C4015349, MONDO:0014511, OMIM 616155.
Autosomal recessive distal spinal muscular atrophy 1. Also called: HMN VI; NEURONOPATHY, SEVERE INFANTILE AXONAL, WITH RESPIRATORY FAILURE; SEVERE INFANTILE AXONAL NEUROPATHY WITH RESPIRATORY FAILURE; SPINAL MUSCULAR ATROPHY, DIAPHRAGMATIC; Spinal muscular atrophy with respiratory distress 1; NEURONOPATHY, DISTAL HEREDITARY MOTOR, HARDING TYPE VI. Identifiers: Orphanet 98920, MedGen C1858517, MONDO:0011436, OMIM 604320.

Submissions (2):

Labcorp Genetics (formerly Invitae), Labcorp
Classification: Likely benign for Autosomal recessive distal spinal muscular atrophy 1; Charcot-Marie-Tooth disease axonal type 2S. Last evaluated: 2023-10-20. Review status: criteria provided, single submitter. Criteria: Invitae Variant Classification Sherloc (09022015). Collection method: clinical testing. Allele origin: germline.

CeGaT Center for Human Genetics Tuebingen
Classification: Likely benign. Last evaluated: 2023-04-01. Review status: criteria provided, single submitter. Criteria: CeGaT Center For Human Genetics Tuebingen Variant Classification Criteria Version 2. Collection method: clinical testing. Allele origin: germline. Affected: yes. Observed: 1 variant allele.
Comment: IGHMBP2: PM2:Supporting, BP4, BP7

NM_002180.3(IGHMBP2):c.2457C>G (p.Pro819=)

Gene: IGHMBP2 (immunoglobulin mu DNA binding protein 2; plus strand). Cytogenetic location: 11q13.3.
Variant type: single nucleotide variant.
Coding change: c.2457C>G on transcript NM_002180.3 (MANE Select); coding-DNA position 2457, C replaced by G.
Protein change: p.Pro819=; no amino-acid change (proline 819 retained).
Molecular consequence: synonymous variant.
Genome position (GRCh38, 1-based): chr11:68,936,937, C>G. VCF-style: chr11-68936937-C-G. GRCh37 (hg19) VCF-style: chr11-68704405-C-G.
Identifiers: ClinVar variation 2642047 (VCV002642047.27), dbSNP rs2154008920, ClinGen allele CA475280905.